The following is an entry in ClinVar:

NM_015662.3(IFT172):c.340G>A (p.Ala114Thr)

Gene: IFT172 (intraflagellar transport 172; minus strand). Cytogenetic location: 2p23.3.
Variant type: single nucleotide variant.
Coding change: c.340G>A on transcript NM_015662.3 (MANE Select); coding-DNA position 340, G replaced by A.
Protein change: p.Ala114Thr; replaces alanine 114 with threonine.
Molecular consequence: missense variant.
Genome position (GRCh38, 1-based): chr2:27,483,934, C>T on the plus strand (G>A on the coding strand, the complement: IFT172 is on the minus strand). VCF-style: chr2-27483934-C-T. GRCh37 (hg19) VCF-style: chr2-27706801-C-T.
Other names: short protein forms A114T.
Identifiers: ClinVar variation 1382612 (VCV001382612.6), dbSNP rs2148556996, ClinGen allele CA346401634.

ClinVar aggregate classification (germline): Uncertain significance (1 of 4 stars; one submission).

Conditions:
Retinitis pigmentosa 71 (RP71). Identifiers: Orphanet 791, MedGen C4225342, MONDO:0014618, OMIM 616394.
Short-rib thoracic dysplasia 10 with or without polydactyly (SRTD10). Identifiers: Orphanet 474, MedGen C3810175, MONDO:0014284, OMIM 615630.

gnomAD v4.1: 1 of 1,613,504 alleles (0.000062%); highest among the groups gnomAD compares: Non-Finnish European, 0.000085%; no homozygotes.

Submission:

Labcorp Genetics (formerly Invitae), Labcorp
Classification: Uncertain significance for Retinitis pigmentosa 71; Short-rib thoracic dysplasia 10 with or without polydactyly. Last evaluated: 2021-09-21. Review status: criteria provided, single submitter. Criteria: Invitae Variant Classification Sherloc (09022015). Collection method: clinical testing. Allele origin: germline.
Comment: This variant has not been reported in the literature in individuals affected with IFT172-related conditions. Algorithms developed to predict the effect of missense changes on protein structure and function are either unavailable or do not agree on the potential impact of this missense change (SIFT: "Deleterious"; PolyPhen-2: "Possibly Damaging"; Align-GVGD: "Class C0"). In summary, the available evidence is currently insufficient to determine the role of this variant in disease. Therefore, it has been classified as a Variant of Uncertain Significance. This variant is not present in population databases (ExAC no frequency). This sequence change replaces alanine with threonine at codon 114 of the IFT172 protein (p.Ala114Thr). The alanine residue is moderately conserved and there is a small physicochemical difference between alanine and threonine.